The following is an entry in ClinVar:

Single allele

Genes: ABHD8 (abhydrolase domain containing 8; minus strand), ANKLE1 (ankyrin repeat and LEM domain containing 1; plus strand), ANO8 (anoctamin 8; minus strand), BABAM1 (BRISC and BRCA1 A complex member 1; plus strand), BST2 (bone marrow stromal cell antigen 2; minus strand) and 13 more. Cytogenetic location: 19p13.11.
Variant type: Duplication.
Identifiers: ClinVar variation 560145 (VCV000560145.3).

ClinVar aggregate classification (germline): Uncertain significance (1 of 4 stars; one submission).

Submission:

Geisinger Autism and Developmental Medicine Institute, Geisinger Health System
Classification: Uncertain significance. Last evaluated: 2018-04-12. Review status: criteria provided, single submitter. Criteria: ACMG CNV Guidelines, 2011. Collection method: provider interpretation. Allele origin: maternal.
Comment: This duplication includes 18 genes, including MYO9B, CPAMD8, and GTPBP3. The clinical significance of the duplication of these genes remains unclear at this time.